The following is an entry in ClinVar:

ClinVar aggregate classification (germline): Pathogenic. Review status: criteria provided, single submitter (1 of 4 stars). 2 submissions from 2 submitters: Pathogenic (1). 1 of the submissions does not count toward it. Last evaluated 2026-10-15.

Conditions:
Developmental and epileptic encephalopathy, 15 (DEE15). Also called: Early infantile epileptic encephalopathy 15. Identifiers: Orphanet 3451, MedGen C3554316, MONDO:0014003, OMIM 615006.

Submissions (2):

Department of Molecular Genetics, Istishari Arab Hospital
Classification: Pathogenic for Developmental and epileptic encephalopathy, 15. Last evaluated: 2026-10-15. Review status: criteria provided, single submitter. Criteria: ACMG Guidelines, 2015. Collection method: clinical testing. Allele origin: germline. Inheritance: Autosomal recessive inheritance. Affected: no.
Comment: The ST3GAL3 variant c.958G>C p.Ala320Pro is also known as c.1003G>C p.Ala335Pro. According to HGMD Professional 2024.1, this variant has previously been described as disease-causing for West syndrome (PMID:23252400, 31584066, 30089820). Additionally, this variant was previously detected in our in-house exome database in several individuals with autosomal recessive ST3GAL3-related intellectual developmental disorder. It is classified as pathogenic based on the implementation of ACMG/AMP/ClinGen SVI guidelines.

OMIM
Classification: Pathogenic for DEVELOPMENTAL AND EPILEPTIC ENCEPHALOPATHY 15. Last evaluated: 2013-02-01. Review status: no assertion criteria provided. Collection method: literature only. Allele origin: germline. Not counted in ClinVar's aggregate classification.

Literature cited by the submitters: PubMed 23252400 (cited by Department of Molecular Genetics, Istishari Arab Hospital and OMIM); PubMed 31584066 (cited by Department of Molecular Genetics, Istishari Arab Hospital); PubMed 30089820 (cited by Department of Molecular Genetics, Istishari Arab Hospital and OMIM).

NM_006279.5(ST3GAL3):c.958G>C (p.Ala320Pro)

Gene: ST3GAL3 (ST3 beta-galactoside alpha-2,3-sialyltransferase 3; plus strand). Cytogenetic location: 1p34.1.
Variant type: single nucleotide variant.
Coding change: c.958G>C on transcript NM_006279.5 (MANE Select); coding-DNA position 958, G replaced by C.
Protein change: p.Ala320Pro; replaces alanine 320 with proline.
Molecular consequence: missense variant. On other transcripts: intron variant (11), non-coding transcript variant (6).
Genome position (GRCh38, 1-based): chr1:43,920,848, G>C. VCF-style: chr1-43920848-G-C. GRCh37 (hg19) VCF-style: chr1-44386520-G-C.
Other names: p.Ala320Pro; c.865G>C, p.Ala289Pro (NM_001270460.2); c.1003G>C, p.Ala335Pro (NM_001350619.2, NM_174964.4); c.958G>C, p.Ala320Pro (NM_001350620.2); c.679G>C, p.Ala227Pro (NM_001350621.2); c.1165G>C, p.Ala389Pro (NM_174963.5); c.1120G>C, p.Ala374Pro (NM_174968.5); c.910G>C, p.Ala304Pro (NM_174969.4); and 13 more; short protein forms A320P, A389P, A290P, A304P, A335P, A358P, A374P, A227P.
Identifiers: ClinVar variation 39592 (VCV000039592.5), dbSNP rs1557563410, ClinGen allele CA340032786.